The following is an entry in ClinVar:

ClinVar aggregate classification (germline): Pathogenic (1 of 4 stars; one submission).

Conditions:
Primary ciliary dyskinesia. Also called: Ciliary dyskinesia. Identifiers: Orphanet 244, MedGen C0008780, MONDO:0016575, HP:0012265.

Submission:

Labcorp Genetics (formerly Invitae), Labcorp
Classification: Pathogenic for Primary ciliary dyskinesia. Last evaluated: 2023-03-14. Review status: criteria provided, single submitter. Criteria: Invitae Variant Classification Sherloc (09022015). Collection method: clinical testing. Allele origin: germline.
Comment: This variant is not present in population databases (gnomAD no frequency). This sequence change creates a premature translational stop signal (p.Met3245Argfs*11) in the DNAH11 gene. It is expected to result in an absent or disrupted protein product. Loss-of-function variants in DNAH11 are known to be pathogenic (PMID: 18022865, 20513915, 22184204). For these reasons, this variant has been classified as Pathogenic. This variant has not been reported in the literature in individuals affected with DNAH11-related conditions.

Literature cited by the submitters: PubMed 18022865; PubMed 20513915; PubMed 22184204.

NM_001277115.2(DNAH11):c.9734del (p.Met3245fs)

Gene: DNAH11 (dynein axonemal heavy chain 11; plus strand). Cytogenetic location: 7p15.3.
Variant type: Deletion.
Coding change: c.9734del on transcript NM_001277115.2 (MANE Select); coding-DNA position 9734, one base deleted (T; older notation c.9734delT).
Protein change: p.Met3245fs; shifts the reading frame from methionine 3245.
Molecular consequence: frameshift variant.
Genome position (GRCh38, 1-based): chr7:21,786,760, T deleted. VCF-style (leftmost placement, unchanged base first): chr7-21786759-AT-A. GRCh37 (hg19) VCF-style: chr7-21826377-AT-A.
Other names: c.9755delT, p.Met3252Argfs (NM_003777.3); short protein forms M3245fs.
Identifiers: ClinVar variation 2845643 (VCV002845643.3), dbSNP rs2535260111, ClinGen allele CA2739266338.
Genomic context (GRCh38, chr7:21,786,759, plus strand): 5'-CTTCTGGCTCCTCGGGGAAGAGTGCCCAAAGACCGAAGTTGGAAAGCAGCTAAAGTCTTC[AT>A]GGGAAAGGTATCAGCCCAGCCTGGCAAGATGAAAATCCTGATAATTTCCATACTGTTTTC-3'